The following is an entry in ClinVar:

ClinVar aggregate classification (germline): Uncertain significance. Review status: criteria provided, multiple submitters, no conflicts (2 of 4 stars). 2 submissions from 2 submitters: Uncertain significance (2). Last evaluated 2025-01-06.

Conditions:
Inborn genetic diseases. Identifiers: MedGen C0950123, MeSH D030342.

Allele frequency attached by ClinVar (database versions not stated): ExAC 0.00001; gnomAD 0.00001; gnomAD exomes 0.00001; 1000 Genomes Project 30x 0.00031; 1000 Genomes Project 0.00040.

Submissions (2):

Labcorp Genetics (formerly Invitae), Labcorp
Classification: Uncertain significance. Last evaluated: 2025-01-06. Review status: criteria provided, single submitter. Criteria: Invitae Variant Classification Sherloc (09022015). Collection method: clinical testing. Allele origin: germline.
Comment: This sequence change replaces asparagine, which is neutral and polar, with serine, which is neutral and polar, at codon 265 of the SAMD9L protein (p.Asn265Ser). This variant is present in population databases (rs554679382, gnomAD 0.0009%). This variant has not been reported in the literature in individuals affected with SAMD9L-related conditions. ClinVar contains an entry for this variant (Variation ID: 1938469). An algorithm developed to predict the effect of missense changes on protein structure and function (PolyPhen-2) suggests that this variant is likely to be tolerated. In summary, the available evidence is currently insufficient to determine the role of this variant in disease. Therefore, it has been classified as a Variant of Uncertain Significance.

Ambry Genetics
Classification: Uncertain significance for Inborn genetic diseases. Last evaluated: 2024-12-09. Review status: criteria provided, single submitter. Criteria: Ambry Variant Classification Scheme 2023. Collection method: clinical testing. Allele origin: germline.
Comment: The p.N265S variant (also known as c.794A>G), located in coding exon 1 of the SAMD9L gene, results from an A to G substitution at nucleotide position 794. The asparagine at codon 265 is replaced by serine, an amino acid with highly similar properties. This amino acid position is conserved. In addition, this alteration is predicted to be tolerated by in silico analysis. Based on the available evidence, the clinical significance of this variant remains unclear.

NM_152703.5(SAMD9L):c.794A>G (p.Asn265Ser)

Gene: SAMD9L (sterile alpha motif domain containing 9 like; minus strand). Cytogenetic location: 7q21.2.
Variant type: single nucleotide variant.
Coding change: c.794A>G on transcript NM_152703.5 (MANE Select); coding-DNA position 794, A replaced by G.
Protein change: p.Asn265Ser; replaces asparagine 265 with serine.
Molecular consequence: missense variant.
Genome position (GRCh38, 1-based): chr7:93,135,178, T>C on the plus strand (A>G on the coding strand, the complement: SAMD9L is on the minus strand). VCF-style: chr7-93135178-T-C. GRCh37 (hg19) VCF-style: chr7-92764491-T-C.
Other names: c.794A>G (NM_152703.2); c.794A>G, p.Asn265Ser (NM_001303496.3, NM_001303497.3, NM_001303498.3 and 5 more transcripts); short protein forms N265S.
Identifiers: ClinVar variation 1938469 (VCV001938469.6), dbSNP rs554679382, ClinGen allele CA4343819.